The following is an entry in ClinVar:

NM_031443.4(CCM2):c.71del (p.Gly24fs)

Gene: CCM2 (CCM2 scaffold protein; plus strand). Cytogenetic location: 7p13.
Variant type: Deletion.
Coding change: c.71del on transcript NM_031443.4 (MANE Select); coding-DNA position 71, one base deleted (G; older notation c.71delG).
Protein change: p.Gly24fs; shifts the reading frame from glycine 24.
Molecular consequence: frameshift variant. On other transcripts: non-coding transcript variant (1), intron variant (2).
Genome position (GRCh38, 1-based): chr7:45,038,293, G deleted; the last of 2 consecutive G bases (chr7:45,038,292-45,038,293); deleting either gives the same sequence. VCF-style (leftmost placement, unchanged base first): chr7-45038291-AG-A. GRCh37 (hg19) VCF-style: chr7-45077890-AG-A.
Other names: c.134del, p.Gly45fs (NM_001029835.2); c.71del, p.Gly24fs (NM_001167935.2, NM_001363458.2); c.31-25625del (NM_001363459.2, NM_001167934.2); c.71delG (NM_031443.3); short protein forms G45fs, G24fs.
Identifiers: ClinVar variation 618554 (VCV000618554.16), dbSNP rs1562881854, ClinGen allele CA913189353.

ClinVar aggregate classification (germline): Pathogenic. Review status: criteria provided, multiple submitters, no conflicts (2 of 4 stars). 3 submissions from 3 submitters: Pathogenic (3). Last evaluated 2024-03-21.

Conditions:
Cerebral cavernous malformation 2. Also called: Familial Cerebral Cavernous Malformation 2. Identifiers: Orphanet 221061, MedGen C1864041, MONDO:0011304, OMIM 603284.

Submissions (3):

Fulgent Genetics
Classification: Pathogenic for Cerebral cavernous malformation 2. Last evaluated: 2024-03-21. Review status: criteria provided, single submitter. Criteria: ACMG Guidelines, 2015. Collection method: clinical testing. Allele origin: germline.

Labcorp Genetics (formerly Invitae), Labcorp
Classification: Pathogenic for Cerebral cavernous malformation 2. Last evaluated: 2019-10-03. Review status: criteria provided, single submitter. Criteria: Invitae Variant Classification Sherloc (09022015). Collection method: clinical testing. Allele origin: germline.
Comment: For these reasons, this variant has been classified as Pathogenic. Loss-of-function variants in CCM2 are known to be pathogenic (PMID: 2468908, 14624391, 17160895, 18300272). This variant has not been reported in the literature in individuals with CCM2-related conditions. This variant is not present in population databases (ExAC no frequency). This sequence change creates a premature translational stop signal (p.Gly24Valfs*13) in the CCM2 gene. It is expected to result in an absent or disrupted protein product.

ARUP Laboratories, Molecular Genetics and Genomics, ARUP Laboratories
Classification: Pathogenic. Last evaluated: 2017-09-19. Review status: criteria provided, single submitter. Criteria: ARUP Molecular Germline Variant Investigation Process. Collection method: clinical testing. Allele origin: germline.

Literature cited by the submitters: PubMed 2468908 (cited by Labcorp Genetics (formerly Invitae), Labcorp); PubMed 14624391 (cited by Labcorp Genetics (formerly Invitae), Labcorp); PubMed 17160895 (cited by Labcorp Genetics (formerly Invitae), Labcorp); PubMed 18300272 (cited by Labcorp Genetics (formerly Invitae), Labcorp).